The following is an entry in ClinVar:

ClinVar aggregate classification (germline): Benign/Likely benign. Review status: criteria provided, multiple submitters, no conflicts (2 of 4 stars). 5 submissions from 5 submitters: Benign (2); Likely benign (3). Last evaluated 2025-12-26.

Conditions:
Polydactyly, postaxial, type A1. Identifiers: MedGen C4282400, MONDO:0008266, OMIM 174200.
Pallister-Hall syndrome (PHS). Also called: HYPOTHALAMIC HAMARTOBLASTOMA, HYPOPITUITARISM, IMPERFORATE ANUS, AND POSTAXIAL POLYDACTYLY; GLI3-Related Pallister-Hall Syndrome. Identifiers: Orphanet 672, MedGen C0265220, MONDO:0007804, OMIM 146510.
Greig cephalopolysyndactyly syndrome (GCPS). Also called: GLI3-Related Greig Cephalopolysyndactyly Syndrome; POLYSYNDACTYLY WITH PECULIAR SKULL SHAPE; Greig syndrome. Identifiers: Orphanet 380, MedGen C0265306, MONDO:0008287, OMIM 175700.
Polysyndactyly 4. Also called: Polysyndactyly uncomplicated; Preaxial polydactyly 4. Identifiers: Orphanet 93338, MedGen C1868111, MONDO:0008272, OMIM 174700.

Allele frequency attached by ClinVar (database versions not stated): gnomAD exomes 0.00010 and 0.00029; ExAC 0.00035; 1000 Genomes Project 0.00080; 1000 Genomes Project 30x 0.00094; gnomAD 0.00117 and 0.00123; TOPMed 0.00144; ESP Exome Variant Server 0.00169.
gnomAD v4.1: 319 of 1,614,018 alleles (0.02%); highest among the groups gnomAD compares: African/African-American, 0.41%; 1 homozygote.

Submissions (5):

Labcorp Genetics (formerly Invitae), Labcorp
Classification: Benign for Pallister-Hall syndrome; Greig cephalopolysyndactyly syndrome. Last evaluated: 2025-12-26. Review status: criteria provided, single submitter. Criteria: Invitae Variant Classification Sherloc (09022015). Collection method: clinical testing. Allele origin: germline.

CeGaT Center for Human Genetics Tuebingen
Classification: Likely benign. Last evaluated: 2022-12-01. Review status: criteria provided, single submitter. Criteria: CeGaT Center For Human Genetics Tuebingen Variant Classification Criteria Version 2. Collection method: clinical testing. Allele origin: germline. Affected: yes. Observed: 1 variant allele.
Comment: GLI3: BP4, BS1

Fulgent Genetics
Classification: Likely benign for Pallister-Hall syndrome; Polydactyly, postaxial, type A1; Polysyndactyly 4; Greig cephalopolysyndactyly syndrome. Last evaluated: 2021-08-19. Review status: criteria provided, single submitter. Criteria: ACMG Guidelines, 2015. Collection method: clinical testing. Allele origin: unknown.

GeneDx
Classification: Benign. Last evaluated: 2019-02-21. Review status: criteria provided, single submitter. Criteria: GeneDx Variant Classification Process June 2021. Collection method: clinical testing. Allele origin: germline. Affected: yes.

Eurofins Ntd Llc (ga)
Classification: Likely benign. Last evaluated: 2015-08-10. Review status: criteria provided, single submitter. Criteria: EGL Classification Definitions 2015. Collection method: clinical testing. Allele origin: germline. Observed: 1 variant allele, 1 heterozygote.

NM_000168.6(GLI3):c.1671C>T (p.Tyr557=)

Gene: GLI3 (GLI family zinc finger 3; minus strand). Cytogenetic location: 7p14.1.
Variant type: single nucleotide variant.
Coding change: c.1671C>T on transcript NM_000168.6 (MANE Select); coding-DNA position 1671, C replaced by T.
Protein change: p.Tyr557=; no amino-acid change (tyrosine 557 retained).
Molecular consequence: synonymous variant.
Genome position (GRCh38, 1-based): chr7:41,977,699, G>A on the plus strand (C>T on the coding strand, the complement: GLI3 is on the minus strand). VCF-style: chr7-41977699-G-A. GRCh37 (hg19) VCF-style: chr7-42017298-G-A.
Identifiers: ClinVar variation 282018 (VCV000282018.41), dbSNP rs143948870, ClinGen allele CA4230774.